The following is an entry in ClinVar:

NM_004187.5(KDM5C):c.4367A>C (p.Glu1456Ala)

Gene: KDM5C (lysine demethylase 5C; minus strand). Cytogenetic location: Xp11.22.
Variant type: single nucleotide variant.
Coding change: c.4367A>C on transcript NM_004187.5 (MANE Select); coding-DNA position 4367, A replaced by C.
Protein change: p.Glu1456Ala; replaces glutamic acid 1456 with alanine.
Molecular consequence: missense variant. On other transcripts: intron variant (5).
Genome position (GRCh38, 1-based): chrX:53,193,283, T>G on the plus strand (A>C on the coding strand, the complement: KDM5C is on the minus strand). VCF-style: chrX-53193283-T-G. GRCh37 (hg19) VCF-style: chrX-53222465-T-G.
Other names: c.4364A>C, p.Glu1455Ala (NM_001282622.3); c.4358A>C, p.Glu1453Ala (NM_001353978.3); c.4305+154A>C (NM_001353982.2); c.4314+154A>C (NM_001353979.2); c.4308+154A>C (NM_001353981.2, NM_001353984.2); c.4046+215A>C (NM_001146702.2); short protein forms E1453A, E1455A, E1456A.
Identifiers: ClinVar variation 1311377 (VCV001311377.2), dbSNP rs2146813376, ClinGen allele CA413104880.

ClinVar aggregate classification (germline): Uncertain significance (1 of 4 stars; one submission).

Submission:

GeneDx
Classification: Uncertain significance. Last evaluated: 2019-12-17. Review status: criteria provided, single submitter. Criteria: GeneDx Variant Classification Process June 2021. Collection method: clinical testing. Allele origin: germline. Affected: yes.
Comment: Not observed in large population cohorts (Lek et al., 2016); In silico analysis, which includes protein predictors and evolutionary conservation, supports a deleterious effect; Has not been previously published as pathogenic or benign to our knowledge